The following is an entry in ClinVar:

ClinVar aggregate classification (germline): Uncertain significance. Review status: criteria provided, multiple submitters, no conflicts (2 of 4 stars). 2 submissions from 2 submitters: Uncertain significance (2). Last evaluated 2023-11-02.

Conditions:
Hereditary cancer-predisposing syndrome. Also called: Neoplastic Syndromes, Hereditary; Hereditary Cancer Syndrome; Tumor predisposition; Hereditary neoplastic syndrome. Identifiers: Orphanet 140162, MedGen C0027672, MeSH D009386, MONDO:0015356.
Familial cancer of breast. Also called: hereditary breast carcinoma; Hereditary breast cancer; BREAST CANCER, FAMILIAL. Identifiers: Orphanet 227535, MedGen C0346153, MONDO:0016419, OMIM 114480. Disease mechanism: loss of function.

Submissions (2):

Ambry Genetics
Classification: Uncertain significance for Hereditary cancer-predisposing syndrome. Last evaluated: 2023-11-02. Review status: criteria provided, single submitter. Criteria: Ambry Variant Classification Scheme 2023. Collection method: clinical testing. Allele origin: germline.
Comment: The p.H506Q variant (also known as c.1518T>A), located in coding exon 6 of the BARD1 gene, results from a T to A substitution at nucleotide position 1518. The histidine at codon 506 is replaced by glutamine, an amino acid with highly similar properties. This amino acid position is highly conserved in available vertebrate species. In addition, the in silico prediction for this alteration is inconclusive. Since supporting evidence is limited at this time, the clinical significance of this alteration remains unclear.

Labcorp Genetics (formerly Invitae), Labcorp
Classification: Uncertain significance for Familial cancer of breast. Last evaluated: 2021-11-25. Review status: criteria provided, single submitter. Criteria: Invitae Variant Classification Sherloc (09022015). Collection method: clinical testing. Allele origin: germline.
Comment: This sequence change replaces histidine, which is basic and polar, with glutamine, which is neutral and polar, at codon 506 of the BARD1 protein (p.His506Gln). This variant is not present in population databases (gnomAD no frequency). This variant has not been reported in the literature in individuals affected with BARD1-related conditions. ClinVar contains an entry for this variant (Variation ID: 1039706). Algorithms developed to predict the effect of missense changes on protein structure and function are either unavailable or do not agree on the potential impact of this missense change (SIFT: "Deleterious"; PolyPhen-2: "Probably Damaging"; Align-GVGD: "Class C15"). In summary, the available evidence is currently insufficient to determine the role of this variant in disease. Therefore, it has been classified as a Variant of Uncertain Significance.

NM_000465.4(BARD1):c.1518T>A (p.His506Gln)

Gene: BARD1 (BRCA1 associated RING domain 1; minus strand). Cytogenetic location: 2q35.
Variant type: single nucleotide variant.
Coding change: c.1518T>A on transcript NM_000465.4 (MANE Select); coding-DNA position 1518, T replaced by A.
Protein change: p.His506Gln; replaces histidine 506 with glutamine.
Molecular consequence: missense variant. On other transcripts: non-coding transcript variant (3), intron variant (3).
Genome position (GRCh38, 1-based): chr2:214,767,532, A>T on the plus strand (T>A on the coding strand, the complement: BARD1 is on the minus strand). VCF-style: chr2-214767532-A-T. GRCh37 (hg19) VCF-style: chr2-215632256-A-T.
Other names: c.1518T>A (NM_000465.2); c.1461T>A, p.His487Gln (NM_001282543.2); c.159-14977T>A (NM_001282548.2); c.216-14977T>A (NM_001282545.2); c.364+24765T>A (NM_001282549.2); short protein forms H487Q, H506Q.
Identifiers: ClinVar variation 1039706 (VCV001039706.8), dbSNP rs2070093, ClinGen allele CA350448280.